The following is an entry in ClinVar:

NM_003227.4(TFR2):c.1481T>A (p.Leu494His)

Gene: TFR2 (transferrin receptor 2; minus strand). Cytogenetic location: 7q22.1.
Variant type: single nucleotide variant.
Coding change: c.1481T>A on transcript NM_003227.4 (MANE Select); coding-DNA position 1481, T replaced by A.
Protein change: p.Leu494His; replaces leucine 494 with histidine.
Molecular consequence: missense variant.
Genome position (GRCh38, 1-based): chr7:100,628,129, A>T on the plus strand (T>A on the coding strand, the complement: TFR2 is on the minus strand). VCF-style: chr7-100628129-A-T. GRCh37 (hg19) VCF-style: chr7-100225752-A-T.
Other names: c.968T>A, p.Leu323His (NM_001206855.3); short protein forms L323H, L494H.
Identifiers: ClinVar variation 4709812 (VCV004709812.1).

ClinVar aggregate classification (germline): Uncertain significance (1 of 4 stars; one submission).

Conditions:
Hereditary hemochromatosis (HFE). Identifiers: MedGen C0392514, MONDO:0006507. Disease mechanism: loss of function.

Submission:

Labcorp Genetics (formerly Invitae), Labcorp
Classification: Uncertain significance for Hereditary hemochromatosis. Last evaluated: 2025-08-15. Review status: criteria provided, single submitter. Criteria: Invitae Variant Classification Sherloc (09022015). Collection method: clinical testing. Allele origin: germline.
Comment: This sequence change replaces leucine, which is neutral and non-polar, with histidine, which is basic and polar, at codon 494 of the TFR2 protein (p.Leu494His). This variant is not present in population databases (gnomAD no frequency). This missense change has been observed in individual(s) with hemochromatosis (internal data). Invitae Evidence Modeling of protein sequence and biophysical properties (such as structural, functional, and spatial information, amino acid conservation, physicochemical variation, residue mobility, and thermodynamic stability) has been performed for this missense variant. However, the output from this modeling did not meet the statistical confidence thresholds required to predict the impact of this variant on TFR2 protein function. In summary, the available evidence is currently insufficient to determine the role of this variant in disease. Therefore, it has been classified as a Variant of Uncertain Significance.